The following is an entry in ClinVar:

NM_007255.3(B4GALT7):c.49A>G (p.Arg17Gly)

Genes: B4GALT7 (beta-1,4-galactosyltransferase 7; plus strand), LOC129995400 (ATAC-STARR-seq lymphoblastoid silent region 16704; plus strand). Cytogenetic location: 5q35.3.
Variant type: single nucleotide variant.
Coding change: c.49A>G on transcript NM_007255.3 (MANE Select); coding-DNA position 49, A replaced by G.
Protein change: p.Arg17Gly; replaces arginine 17 with glycine.
Molecular consequence: missense variant.
Genome position (GRCh38, 1-based): chr5:177,600,259, A>G. VCF-style: chr5-177600259-A-G. GRCh37 (hg19) VCF-style: chr5-177027260-A-G.
Other names: c.49A>G (NM_007255.2); short protein forms R17G.
Identifiers: ClinVar variation 1394337 (VCV001394337.11), dbSNP rs774824237, ClinGen allele CA3586347.

ClinVar aggregate classification (germline): Uncertain significance. Review status: criteria provided, multiple submitters, no conflicts (2 of 4 stars). 3 submissions from 3 submitters: Uncertain significance (3). Last evaluated 2026-05-07.

Conditions:
Spondylodysplastic Ehlers-Danlos syndrome. Identifiers: Orphanet 536471, Orphanet 75496, MedGen C5680154, MONDO:0007526.
Inborn genetic diseases. Identifiers: MedGen C0950123, MeSH D030342.

Allele frequency attached by ClinVar (database versions not stated): gnomAD 0.00003; gnomAD exomes 0.00025 and 0.00004; 1000 Genomes Project 30x 0.00047; TOPMed 0.00001; ExAC 0.00139.
gnomAD v4.1: 53 of 1,356,524 alleles (0.0039%); highest among the groups gnomAD compares: South Asian, 0.071%; no homozygotes.

Submissions (4):

Women's Health and Genetics/Laboratory Corporation of America, LabCorp
Classification: Uncertain significance. Last evaluated: 2026-05-07. Review status: criteria provided, single submitter. Criteria: LabCorp Variant Classification Summary - May 2015. Collection method: clinical testing. Allele origin: germline.
Comment: Variant summary: B4GALT7 c.49A>G (p.Arg17Gly) results in a non-conservative amino acid change in the encoded protein sequence. Algorithms developed to predict the effect of missense changes on protein structure and function are either unavailable or do not agree on the potential impact of this missense change. Several computational tools predict a significant impact on normal splicing: Five predict the variant weakens the canonical 5' donor site. However, these predictions have yet to be confirmed by functional studies. The variant allele was found at a frequency of 0.00025 in 43964 control chromosomes, predominantly at a frequency of 0.00099 within the South Asian subpopulation in the gnomAD database. This frequency is not significantly higher than estimated for disease-causing variants in B4GALT7, allowing no conclusion about variant significance. To our knowledge, no occurrence of c.49A>G in individuals affected with B4GALT7-related conditions and no experimental evidence demonstrating its impact on protein function have been reported. ClinVar contains an entry for this variant (Variation ID: 1394337). Based on the evidence outlined above, the variant was classified as uncertain significance.

Labcorp Genetics (formerly Invitae), Labcorp
Classification: Uncertain significance for Spondylodysplastic Ehlers-Danlos syndrome. Last evaluated: 2025-12-10. Review status: criteria provided, single submitter. Criteria: Invitae Variant Classification Sherloc (09022015). Collection method: clinical testing. Allele origin: germline.
Comment: This sequence change replaces arginine, which is basic and polar, with glycine, which is neutral and non-polar, at codon 17 of the B4GALT7 protein (p.Arg17Gly). This variant is present in population databases (rs774824237, gnomAD 0.1%). This variant has not been reported in the literature in individuals affected with B4GALT7-related conditions. ClinVar contains an entry for this variant (Variation ID: 1394337). An algorithm developed to predict the effect of missense changes on protein structure and function (PolyPhen-2) suggests that this variant is likely to be tolerated. Algorithms developed to predict the effect of sequence changes on RNA splicing suggest that this variant may disrupt the consensus splice site. In summary, the available evidence is currently insufficient to determine the role of this variant in disease. Therefore, it has been classified as a Variant of Uncertain Significance.

Ambry Genetics
Classification: Uncertain significance for Inborn genetic diseases. Last evaluated: 2025-05-04. Review status: criteria provided, single submitter. Criteria: Ambry Variant Classification Scheme 2023. Collection method: clinical testing. Allele origin: germline.

Dr. Peter K. Rogan Lab, Western University
No classification provided (evidence only). Condition: Thyroid cancer, nonmedullary, 1. Review status: no classification provided. Collection method: in vitro. Allele origin: not applicable. Functional consequence: retained intron. Not counted in ClinVar's aggregate classification.